The following is an entry in ClinVar:

NM_001267550.2(TTN):c.83532T>A (p.Asn27844Lys)

Genes: TTN (titin; minus strand), TTN-AS1 (TTN antisense RNA 1; plus strand). Cytogenetic location: 2q31.2.
Variant type: single nucleotide variant.
Coding change: c.83532T>A on transcript NM_001267550.2 (MANE Select); coding-DNA position 83532, T replaced by A.
Protein change: p.Asn27844Lys; replaces asparagine 27844 with lysine.
Molecular consequence: missense variant.
Genome position (GRCh38, 1-based): chr2:178,562,600, A>T on the plus strand (T>A on the coding strand, the complement: TTN is on the minus strand). VCF-style: chr2-178562600-A-T. GRCh37 (hg19) VCF-style: chr2-179427327-A-T.
Other names: c.56337T>A, p.Asn18779Lys (NM_003319.4); c.75828T>A, p.Asn25276Lys (NM_133378.4); c.56712T>A, p.Asn18904Lys (NM_133432.3); c.56913T>A, p.Asn18971Lys (NM_133437.4); c.78609T>A, p.Asn26203Lys (NM_001256850.1); short protein forms N18779K, N18904K, N18971K, N25276K, N26203K, N27844K.
Identifiers: ClinVar variation 4537594 (VCV004537594.1).

ClinVar aggregate classification (germline): Uncertain significance (1 of 4 stars; one submission).

Submission:

GeneDx
Classification: Uncertain significance. Last evaluated: 2025-06-09. Review status: criteria provided, single submitter. Criteria: GeneDx Variant Classification Process June 2021. Collection method: clinical testing. Allele origin: germline. Affected: yes.
Comment: Not observed at significant frequency in large population cohorts (gnomAD); Missense variant in a gene in which most reported pathogenic variants are truncating/loss of function; Has not been previously published as pathogenic or benign to our knowledge